The following is an entry in ClinVar:

ClinVar aggregate classification (germline): Uncertain significance (1 of 4 stars; one submission).

Submission:

Labcorp Genetics (formerly Invitae), Labcorp
Classification: Uncertain significance. Last evaluated: 2024-07-09. Review status: criteria provided, single submitter. Criteria: Invitae Variant Classification Sherloc (09022015). Collection method: clinical testing. Allele origin: germline.
Comment: This sequence change replaces aspartic acid, which is acidic and polar, with valine, which is neutral and non-polar, at codon 287 of the CLCN7 protein (p.Asp287Val). This variant is not present in population databases (gnomAD no frequency). This variant has not been reported in the literature in individuals affected with CLCN7-related conditions. Advanced modeling of protein sequence and biophysical properties (such as structural, functional, and spatial information, amino acid conservation, physicochemical variation, residue mobility, and thermodynamic stability) performed at Invitae indicates that this missense variant is expected to disrupt CLCN7 protein function with a positive predictive value of 95%. In summary, the available evidence is currently insufficient to determine the role of this variant in disease. Therefore, it has been classified as a Variant of Uncertain Significance.

NM_001287.6(CLCN7):c.860A>T (p.Asp287Val)

Gene: CLCN7 (chloride voltage-gated channel 7; minus strand). Cytogenetic location: 16p13.3.
Variant type: single nucleotide variant.
Coding change: c.860A>T on transcript NM_001287.6 (MANE Select); coding-DNA position 860, A replaced by T.
Protein change: p.Asp287Val; replaces aspartic acid 287 with valine.
Molecular consequence: missense variant.
Genome position (GRCh38, 1-based): chr16:1,456,169, T>A on the plus strand (A>T on the coding strand, the complement: CLCN7 is on the minus strand). VCF-style: chr16-1456169-T-A. GRCh37 (hg19) VCF-style: chr16-1506170-T-A.
Other names: c.788A>T, p.Asp263Val (NM_001114331.3); short protein forms D263V, D287V.
Identifiers: ClinVar variation 2735316 (VCV002735316.3), dbSNP rs2505833507, ClinGen allele CA394190385.